The following is an entry in ClinVar:

ClinVar aggregate classification (germline): Uncertain significance (1 of 4 stars; one submission).

Conditions:
GNAS-related disorder. Identifiers: MedGen CN380105.

gnomAD v4.1: 2 of 1,611,666 alleles (0.00012%); highest among the groups gnomAD compares: Admixed American, 0.0017%; no homozygotes.

Submission:

PreventionGenetics, part of Exact Sciences
Classification: Uncertain significance for GNAS-related condition. Last evaluated: 2025-10-24. Review status: criteria provided, single submitter. Criteria: ACMG Guidelines, 2015. Collection method: clinical testing. Allele origin: germline.
Comment: The GNAS c.617C>T variant is predicted to result in the amino acid substitution p.Pro206Leu. This variant corresponds to a pre-coding position in an alternate transcript for this gene (NM_000516:c.-37658C>T). To our knowledge, this variant has not been reported in the literature or in a large population database (gnomAD), indicating this variant is rare. At this time, the clinical significance of this variant is uncertain due to the absence of conclusive functional and genetic evidence.

NM_080425.4(GNAS):c.804C>T (p.Pro268=)

Gene: GNAS (GNAS complex locus; plus strand). Cytogenetic location: 20q13.32.
Variant type: single nucleotide variant.
Coding change: c.804C>T on transcript NM_080425.4 (MANE Plus Clinical); coding-DNA position 804, C replaced by T.
Protein change: p.Pro268=; no amino-acid change (proline 268 retained).
Molecular consequence: synonymous variant. On other transcripts: missense variant (2), intron variant (3).
Genome position (GRCh38, 1-based): chr20:58,854,069, C>T. VCF-style: chr20-58854069-C-T. GRCh37 (hg19) VCF-style: chr20-57429124-C-T.
Other names: c.617C>T, p.Pro206Leu (NM_001077490.3, NM_001309883.1); c.804C>T, p.Pro268= (NM_001410913.1); c.*42+13183C>T (NM_016592.5); c.43+13183C>T (NM_001410912.1); c.-39+12194C>T (NM_001309861.2); short protein forms P206L.
Identifiers: ClinVar variation 4977415 (VCV004977415.1).
Genomic context (GRCh38, chr20:58,854,069, plus strand): 5'-AGTCGACGGCAGCAGCCAGTTCGCGGCAGTCGCGGCCTCGAGTGCGGTCCGCCTCACTCC[C>T]GCCGCGAACGCGCCTCCCCTCTGGGTCCCAGGCGCCATCGGCAGCCCATCCCAAGAGGCT-3'
Protein context (NP_536350.2, residues 258-278): VAASSAVRLT[Pro268=]AANAPPLWVP